The following is an entry in ClinVar:

NM_004168.4(SDHA):c.151-1G>C

Gene: SDHA (succinate dehydrogenase complex flavoprotein subunit A; plus strand). Cytogenetic location: 5p15.33.
Variant type: single nucleotide variant.
Coding change: c.151-1G>C on transcript NM_004168.4 (MANE Select); the canonical splice acceptor site of the intron before coding-DNA position 151, G replaced by C.
Molecular consequence: splice acceptor variant.
Genome position (GRCh38, 1-based): chr5:224,359, G>C. VCF-style: chr5-224359-G-C. GRCh37 (hg19) VCF-style: chr5-224474-G-C.
Other names: c.151-1G>C (NM_001330758.2, NM_001294332.2).
Identifiers: ClinVar variation 486388 (VCV000486388.16), dbSNP rs1458851277, ClinGen allele CA359008365.
Genomic context (GRCh38, chr5:224,359, plus strand): 5'-AAGATTCTTCATGTTTGGCATAGTGGAACATGTGATTGACAGGTGAATTTTTCTTTTCCA[G>C]ATTTCTGCTCAGTATCCAGTAGTGGATCATGAATTTGATGCAGTGGTGGTAGGCGCTGGA-3'

ClinVar aggregate classification (germline): Likely pathogenic. Review status: criteria provided, multiple submitters, no conflicts (2 of 4 stars). 3 submissions from 3 submitters: Likely pathogenic (3). Last evaluated 2025-05-14.

Conditions:
Mitochondrial complex II deficiency, nuclear type 1. Also called: SUCCINATE CoQ REDUCTASE DEFICIENCY. Identifiers: Orphanet 3208, MedGen C5700310, MONDO:0100294, OMIM 252011.
Pheochromocytoma/paraganglioma syndrome 5. Also called: Paragangliomas 5; SDHA-Related Hereditary Paraganglioma-Pheochromocytoma Syndrome. Identifiers: Orphanet 29072, MedGen C3279992, MONDO:0013602, OMIM 614165.
Hereditary cancer-predisposing syndrome. Also called: Neoplastic Syndromes, Hereditary; Hereditary Cancer Syndrome; Hereditary neoplastic syndrome; Tumor predisposition. Identifiers: Orphanet 140162, MedGen C0027672, MeSH D009386, MONDO:0015356.

Allele frequency attached by ClinVar (database versions not stated): gnomAD exomes below 0.00001.
gnomAD v4.1: 2 of 1,613,066 alleles (0.00012%); highest among the groups gnomAD compares: South Asian, 0.0011%; no homozygotes.

Submissions (3):

Labcorp Genetics (formerly Invitae), Labcorp
Classification: Likely pathogenic for Pheochromocytoma/paraganglioma syndrome 5; Mitochondrial complex II deficiency, nuclear type 1. Last evaluated: 2025-05-14. Review status: criteria provided, single submitter. Criteria: Invitae Variant Classification Sherloc (09022015). Collection method: clinical testing. Allele origin: germline.
Comment: This sequence change affects an acceptor splice site in intron 2 of the SDHA gene. It is expected to disrupt RNA splicing. Variants that disrupt the donor or acceptor splice site typically lead to a loss of protein function (PMID: 16199547), and loss-of-function variants in SDHA are known to be pathogenic (PMID: 22974104, 24781757). This variant is present in population databases (no rsID available, gnomAD 0.003%). This variant has not been reported in the literature in individuals affected with SDHA-related conditions. ClinVar contains an entry for this variant (Variation ID: 486388). Algorithms developed to predict the effect of sequence changes on RNA splicing suggest that this variant may disrupt the consensus splice site. In summary, the currently available evidence indicates that the variant is pathogenic, but additional data are needed to prove that conclusively. Therefore, this variant has been classified as Likely Pathogenic.

Ambry Genetics
Classification: Likely pathogenic for Hereditary cancer-predisposing syndrome. Last evaluated: 2025-03-13. Review status: criteria provided, single submitter. Criteria: Ambry Variant Classification Scheme 2023. Collection method: clinical testing. Allele origin: germline.
Comment: The c.151-1G>C intronic variant results from a G to C substitution one nucleotide upstream from coding exon 3 of the SDHA gene. This alteration has been observed in at least one individual with a personal and/or family history that is consistent with SDHA-related disease (Ambry internal data). This nucleotide position is highly conserved in available vertebrate species. In silico splice site analysis predicts that this alteration will weaken the native splice acceptor site and will result in the creation or strengthening of a novel splice acceptor site. RNA studies have demonstrated that this alteration results in abnormal splicing in the set of samples tested (Ambry internal data). This variant is considered to be rare based on population cohorts in the Genome Aggregation Database (gnomAD). Alterations that disrupt the canonical splice site are expected to cause aberrant splicing, resulting in an abnormal protein or a transcript that is subject to nonsense-mediated mRNA decay. As such, this alteration is classified as likely pathogenic.

Myriad Genetics, Inc.
Classification: Likely pathogenic for Pheochromocytoma/paraganglioma syndrome 5. Last evaluated: 2024-12-27. Review status: criteria provided, single submitter. Criteria: Myriad Autosomal Dominant, Autosomal Recessive and X-Linked Classification Criteria (2023). Collection method: clinical testing. Allele origin: unknown.
Comment: This variant is considered likely pathogenic. This variant occurs within a consensus splice junction and is predicted to result in abnormal mRNA splicing of either an out-of-frame exon or an in-frame exon necessary for protein stability and/or normal function.

Literature cited by the submitters: PubMed 16199547 (cited by Labcorp Genetics (formerly Invitae), Labcorp); PubMed 22974104 (cited by Labcorp Genetics (formerly Invitae), Labcorp); PubMed 24781757 (cited by Labcorp Genetics (formerly Invitae), Labcorp).